The following is an entry in ClinVar:

ClinVar aggregate classification (germline): Likely pathogenic (1 of 4 stars; one submission).

Conditions:
ADA2-related disorder. Also called: ADA2-related condition.

gnomAD v4.1: 27 of 1,614,182 alleles (0.0017%); highest among the groups gnomAD compares: Non-Finnish European, 0.0023%; no homozygotes.

Submission:

PreventionGenetics, part of Exact Sciences
Classification: Likely pathogenic for ADA2-related condition. Last evaluated: 2025-07-11. Review status: criteria provided, single submitter. Criteria: ACMG Guidelines, 2015. Collection method: clinical testing. Allele origin: germline.
Comment: The ADA2 c.1348G>T variant is predicted to result in the amino acid substitution p.Gly450Cys. This variant has been reported in the compound heterozygous state in an individual with ADA2 deficiency (Rama et al. 2018. PubMed ID: 29681619). In vitro experimental studies indicate this variant impacts protein function (Jee et al. 2021. PubMed ID: 34004258). This variant is documented in a locus specific database as likely pathogenic. This variant is reported in 0.0018% of alleles in individuals of European (Non-Finnish) descent in gnomAD. Based on the available evidence, this variant is classified as likely pathogenic.

NM_001282225.2(ADA2):c.1348G>T (p.Gly450Cys)

Gene: ADA2 (adenosine deaminase 2; minus strand). Cytogenetic location: 22q11.1.
Variant type: single nucleotide variant.
Coding change: c.1348G>T on transcript NM_001282225.2 (MANE Select); coding-DNA position 1348, G replaced by T.
Protein change: p.Gly450Cys; replaces glycine 450 with cysteine.
Molecular consequence: missense variant.
Genome position (GRCh38, 1-based): chr22:17,181,914, C>A on the plus strand (G>T on the coding strand, the complement: ADA2 is on the minus strand). VCF-style: chr22-17181914-C-A. GRCh37 (hg19) VCF-style: chr22-17662804-C-A.
Other names: c.1348G>T, p.Gly450Cys (NM_001282226.2); c.1222G>T, p.Gly408Cys (NM_001282227.2, NM_001282228.2); c.988G>T, p.Gly330Cys (NM_001282229.2); c.625G>T, p.Gly209Cys (NM_177405.3); short protein forms G209C, G330C, G450C, G408C.
Identifiers: ClinVar variation 4989243 (VCV004989243.1).